The following is an entry in ClinVar:

ClinVar aggregate classification (germline): Uncertain significance. Review status: criteria provided, multiple submitters, no conflicts (2 of 4 stars). 2 submissions from 2 submitters: Uncertain significance (2). Last evaluated 2026-03-02.

Conditions:
Hereditary cancer-predisposing syndrome. Also called: Tumor predisposition; Hereditary Cancer Syndrome; Hereditary neoplastic syndrome; Neoplastic Syndromes, Hereditary. Identifiers: Orphanet 140162, MedGen C0027672, MeSH D009386, MONDO:0015356.

Allele frequency attached by ClinVar (database versions not stated): gnomAD exomes below 0.00001.
gnomAD v4.1: 1 of 1,614,170 alleles (0.000062%); no homozygotes.

Submissions (2):

Ambry Genetics
Classification: Uncertain significance for Hereditary cancer-predisposing syndrome. Last evaluated: 2026-03-02. Review status: criteria provided, single submitter. Criteria: Ambry Variant Classification Scheme 2023. Collection method: clinical testing. Allele origin: germline.
Comment: The p.P155S variant (also known as c.463C>T), located in coding exon 1 of the HOXB13 gene, results from a C to T substitution at nucleotide position 463. The proline at codon 155 is replaced by serine, an amino acid with similar properties. This amino acid position is conserved. In addition, this alteration is predicted to be tolerated by in silico analysis. Based on the available evidence, the clinical significance of this variant remains unclear.

Labcorp Genetics (formerly Invitae), Labcorp
Classification: Uncertain significance. Last evaluated: 2023-10-20. Review status: criteria provided, single submitter. Criteria: Invitae Variant Classification Sherloc (09022015). Collection method: clinical testing. Allele origin: germline.
Comment: This sequence change replaces proline, which is neutral and non-polar, with serine, which is neutral and polar, at codon 155 of the HOXB13 protein (p.Pro155Ser). This variant is not present in population databases (gnomAD no frequency). This variant has not been reported in the literature in individuals affected with HOXB13-related conditions. Advanced modeling of protein sequence and biophysical properties (such as structural, functional, and spatial information, amino acid conservation, physicochemical variation, residue mobility, and thermodynamic stability) performed at Invitae indicates that this missense variant is not expected to disrupt HOXB13 protein function. In summary, the available evidence is currently insufficient to determine the role of this variant in disease. Therefore, it has been classified as a Variant of Uncertain Significance.

NM_006361.6(HOXB13):c.463C>T (p.Pro155Ser)

Gene: HOXB13 (homeobox B13; minus strand). Cytogenetic location: 17q21.32.
Variant type: single nucleotide variant.
Coding change: c.463C>T on transcript NM_006361.6 (MANE Select); coding-DNA position 463, C replaced by T.
Protein change: p.Pro155Ser; replaces proline 155 with serine.
Molecular consequence: missense variant.
Genome position (GRCh38, 1-based): chr17:48,728,131, G>A on the plus strand (C>T on the coding strand, the complement: HOXB13 is on the minus strand). VCF-style: chr17-48728131-G-A. GRCh37 (hg19) VCF-style: chr17-46805493-G-A.
Other names: short protein forms P155S.
Identifiers: ClinVar variation 2770235 (VCV002770235.4), dbSNP rs2509514917, ClinGen allele CA400107404.